The following is an entry in ClinVar:

NM_001126108.2(SLC12A3):c.26C>T (p.Thr9Met)

Gene: SLC12A3 (solute carrier family 12 member 3; plus strand). Cytogenetic location: 16q13.
Variant type: single nucleotide variant.
Coding change: c.26C>T on transcript NM_001126108.2 (MANE Select); coding-DNA position 26, C replaced by T.
Protein change: p.Thr9Met; replaces threonine 9 with methionine.
Molecular consequence: missense variant.
Genome position (GRCh38, 1-based): chr16:56,865,261, C>T. VCF-style: chr16-56865261-C-T. GRCh37 (hg19) VCF-style: chr16-56899173-C-T.
Other names: c.26C>T, p.Thr9Met (NM_000339.3, NM_001126107.2, NM_001410896.1); short protein forms T9M.
Identifiers: ClinVar variation 4980868 (VCV004980868.1).
Genomic context (GRCh38, chr16:56,865,261, plus strand): 5'-CGGATCCTGGCCCCTCCCTGGACACCCAGGCGACAATGGCAGAACTGCCCACAACAGAGA[C>T]GCCTGGGGACGCCACTTTGTGCAGCGGGCGCTTCACCATCAGCACACTGCTGAGCAGTGA-3'
Protein context (NP_001119580.2, residues 1-19): MAELPTTE[Thr9Met]PGDATLCSGR

ClinVar aggregate classification (germline): Uncertain significance (1 of 4 stars; one submission).

Conditions:
SLC12A3-related disorder. Also called: SLC12A3-related condition.

gnomAD v4.1: 46 of 1,613,708 alleles (0.0029%); highest among the groups gnomAD compares: East Asian, 0.0089%; no homozygotes.

Submission:

PreventionGenetics, part of Exact Sciences
Classification: Uncertain significance for SLC12A3-related condition. Last evaluated: 2024-10-28. Review status: criteria provided, single submitter. Criteria: ACMG Guidelines, 2015. Collection method: clinical testing. Allele origin: germline.
Comment: The SLC12A3 c.26C>T variant is predicted to result in the amino acid substitution p.Thr9Met. To our knowledge, this variant has not been reported in the literature. This variant is reported in 0.0062% of alleles in individuals of African descent in gnomAD. The p.Thr9 residue is weakly conserved and at this position is a methionine (Met) in rat and dog. At this time, the clinical significance of this variant is uncertain due to the absence of conclusive functional and genetic evidence.